The following is an entry in ClinVar:

NM_000535.7(PMS2):c.465C>A (p.Thr155=)

Gene: PMS2 (PMS1 homolog 2, mismatch repair system component; minus strand). Cytogenetic location: 7p22.1.
Variant type: single nucleotide variant.
Coding change: c.465C>A on transcript NM_000535.7 (MANE Select); coding-DNA position 465, C replaced by A.
Protein change: p.Thr155=; no amino-acid change (threonine 155 retained).
Molecular consequence: synonymous variant. On other transcripts: 5 prime UTR variant (2), non-coding transcript variant (1).
Genome position (GRCh38, 1-based): chr7:6,002,525, G>T on the plus strand (C>A on the coding strand, the complement: PMS2 is on the minus strand). VCF-style: chr7-6002525-G-T. GRCh37 (hg19) VCF-style: chr7-6042156-G-T.
Other names: c.-420C>A (NM_001322012.2, NM_001322011.2); c.60C>A, p.Thr20= (NM_001322013.2, NM_001322003.2, NM_001322004.2 and 3 more transcripts); c.465C>A, p.Thr155= (NM_001322014.2, NM_001322006.2); c.156C>A, p.Thr52= (NM_001322015.2); c.147C>A, p.Thr49= (NM_001322007.2, NM_001322008.2).
Identifiers: ClinVar variation 215758 (VCV000215758.16), dbSNP rs863224369, ClinGen allele CA336285.
Genomic context (GRCh38, chr7:6,002,525, plus strand): 5'-CCTTTGAAATTCCTTATGGCGCACAGGTAGTGTGGAAAATAACTGCTGCACGCTGACTGT[G>T]GTCCCTCTGGGGCGGGGGTAGGGGGTTTTCTGGATAATTTTCCCATTGTGATCAAACATC-3'
Protein context (NP_000526.2, residues 145-165): QKTPYPRPRG[Thr155=]TVSVQQLFST

ClinVar aggregate classification (germline): Benign/Likely benign. Review status: criteria provided, multiple submitters, no conflicts (2 of 4 stars). 4 submissions from 4 submitters: Benign (1); Likely benign (3). Last evaluated 2025-10-21.

Conditions:
Hereditary cancer-predisposing syndrome. Also called: Hereditary neoplastic syndrome; Neoplastic Syndromes, Hereditary; Tumor predisposition; Hereditary Cancer Syndrome. Identifiers: Orphanet 140162, MedGen C0027672, MeSH D009386, MONDO:0015356.
Hereditary nonpolyposis colorectal neoplasms. Identifiers: MedGen C0009405, MeSH D003123.
Lynch syndrome 4 (LYNCH4). Also called: Colorectal cancer, hereditary nonpolyposis, type 4; Hereditary non-polyposis colorectal cancer, type 4. Identifiers: Orphanet 144, MedGen C1838333, MONDO:0013699, OMIM 614337. Disease mechanism: loss of function.

Submissions (4):

Labcorp Genetics (formerly Invitae), Labcorp
Classification: Likely benign for Hereditary nonpolyposis colorectal neoplasms. Last evaluated: 2025-10-21. Review status: criteria provided, single submitter. Criteria: Invitae Variant Classification Sherloc (09022015). Collection method: clinical testing. Allele origin: germline.

Myriad Genetics, Inc.
Classification: Benign for Lynch syndrome 4. Last evaluated: 2025-01-27. Review status: criteria provided, single submitter. Criteria: Myriad Autosomal Dominant, Autosomal Recessive and X-Linked Classification Criteria (2023). Collection method: clinical testing. Allele origin: unknown.
Comment: This variant is considered benign. This variant is a silent/synonymous amino acid change and it is not expected to impact splicing.

Color Diagnostics, LLC DBA Color Health
Classification: Likely benign for Hereditary cancer-predisposing syndrome. Last evaluated: 2022-11-06. Review status: criteria provided, single submitter. Criteria: ACMG Guidelines, 2015. Collection method: clinical testing. Allele origin: germline.

Ambry Genetics
Classification: Likely benign for Hereditary cancer-predisposing syndrome. Last evaluated: 2020-03-25. Review status: criteria provided, single submitter. Criteria: Ambry Variant Classification Scheme 2023. Collection method: clinical testing. Allele origin: germline.